The following is an entry in ClinVar:

NM_019040.5(ELP4):c.763A>G (p.Ile255Val)

Gene: ELP4 (elongator acetyltransferase complex subunit 4; plus strand). Cytogenetic location: 11p13.
Variant type: single nucleotide variant.
Coding change: c.763A>G on transcript NM_019040.5 (MANE Select); coding-DNA position 763, A replaced by G.
Protein change: p.Ile255Val; replaces isoleucine 255 with valine.
Molecular consequence: missense variant.
Genome position (GRCh38, 1-based): chr11:31,632,241, A>G. VCF-style: chr11-31632241-A-G. GRCh37 (hg19) VCF-style: chr11-31653788-A-G.
Other names: c.766A>G, p.Ile256Val (NM_001288725.2); c.763A>G, p.Ile255Val (NM_001288726.2); short protein forms I255V, I256V.
Identifiers: ClinVar variation 2845846 (VCV002845846.3), dbSNP rs372784790, ClinGen allele CA220275306.

ClinVar aggregate classification (germline): Uncertain significance (1 of 4 stars; one submission).

Allele frequency attached by ClinVar (database versions not stated): TOPMed 0.00001; ESP Exome Variant Server 0.00008.
gnomAD v4.1: 3 of 1,601,488 alleles (0.00019%); highest among the groups gnomAD compares: Admixed American, 0.0035%; no homozygotes.

Submission:

Labcorp Genetics (formerly Invitae), Labcorp
Classification: Uncertain significance. Last evaluated: 2023-09-10. Review status: criteria provided, single submitter. Criteria: Invitae Variant Classification Sherloc (09022015). Collection method: clinical testing. Allele origin: germline.
Comment: This sequence change replaces isoleucine, which is neutral and non-polar, with valine, which is neutral and non-polar, at codon 255 of the ELP4 protein (p.Ile255Val). In summary, the available evidence is currently insufficient to determine the role of this variant in disease. Therefore, it has been classified as a Variant of Uncertain Significance. An algorithm developed to predict the effect of missense changes on protein structure and function (PolyPhen-2) suggests that this variant is likely to be tolerated. This variant has not been reported in the literature in individuals affected with ELP4-related conditions. This variant is present in population databases (rs372784790, gnomAD 0.007%).